The following is an entry in ClinVar:

NM_182641.4(BPTF):c.6385A>G (p.Asn2129Asp)

Gene: BPTF (bromodomain PHD finger transcription factor; plus strand). Cytogenetic location: 17q24.2.
Variant type: single nucleotide variant.
Coding change: c.6385A>G on transcript NM_182641.4 (MANE Select); coding-DNA position 6385, A replaced by G.
Protein change: p.Asn2129Asp; replaces asparagine 2129 with aspartic acid.
Molecular consequence: missense variant.
Genome position (GRCh38, 1-based): chr17:67,940,564, A>G. VCF-style: chr17-67940564-A-G. GRCh37 (hg19) VCF-style: chr17-65936680-A-G.
Other names: c.6763A>G, p.Asn2255Asp (NM_004459.7); short protein forms N2129D, N2255D.
Identifiers: ClinVar variation 2635935 (VCV002635935.2), dbSNP rs781963225, ClinGen allele CA8726195.

ClinVar aggregate classification (germline): Uncertain significance. Review status: criteria provided, multiple submitters, no conflicts (2 of 4 stars). 2 submissions from 2 submitters: Uncertain significance (2). Last evaluated 2025-10-18.

Conditions:
Inborn genetic diseases. Identifiers: MedGen C0950123, MeSH D030342.
BPTF-related disorder. Also called: BPTF-related condition.

Allele frequency attached by ClinVar (database versions not stated): gnomAD exomes 0.00001; ExAC 0.00001.
gnomAD v4.1: 21 of 1,614,100 alleles (0.0013%); highest among the groups gnomAD compares: Non-Finnish European, 0.0015%; no homozygotes.

Submissions (2):

Ambry Genetics
Classification: Uncertain significance for Inborn genetic diseases. Last evaluated: 2025-10-18. Review status: criteria provided, single submitter. Criteria: Ambry Variant Classification Scheme 2023. Collection method: clinical testing. Allele origin: germline.

PreventionGenetics, part of Exact Sciences
Classification: Uncertain significance for BPTF-related condition. Last evaluated: 2023-02-24. Review status: criteria provided, single submitter. Criteria: ACMG Guidelines, 2015. Collection method: clinical testing. Allele origin: germline.
Comment: The BPTF c.6385A>G variant is predicted to result in the amino acid substitution p.Asn2129Asp. To our knowledge, this variant has not been reported in the literature. This variant is reported in 0.00088% of alleles in individuals of European (Non-Finnish) descent in gnomAD. At this time, the clinical significance of this variant is uncertain due to the absence of conclusive functional and genetic evidence.